The following is an entry in ClinVar:

NM_001267550.2(TTN):c.59994G>A (p.Trp19998Ter)

Genes: TTN (titin; minus strand), TTN-AS1 (TTN antisense RNA 1; plus strand), LOC126806424 (CDK7 strongly-dependent group 2 enhancer GRCh37_chr2:179456337-179457536; plus strand). Cytogenetic location: 2q31.2.
Variant type: single nucleotide variant.
Coding change: c.59994G>A on transcript NM_001267550.2 (MANE Select); coding-DNA position 59994, G replaced by A.
Protein change: p.Trp19998Ter; replaces tryptophan 19998 with a stop codon.
Molecular consequence: nonsense.
Genome position (GRCh38, 1-based): chr2:178,591,825, C>T on the plus strand (G>A on the coding strand, the complement: TTN is on the minus strand). VCF-style: chr2-178591825-C-T. GRCh37 (hg19) VCF-style: chr2-179456552-C-T.
Other names: c.59994G>A (NM_001267550.1); c.55071G>A, p.Trp18357Ter (NM_001256850.1); c.32799G>A, p.Trp10933Ter (NM_003319.4); c.52290G>A, p.Trp17430Ter (NM_133378.4); c.33174G>A, p.Trp11058Ter (NM_133432.3); c.33375G>A, p.Trp11125Ter (NM_133437.4); short protein forms W10933*, W11058*, W11125*, W17430*, W18357*, W19998*.
Identifiers: ClinVar variation 1066815 (VCV001066815.10), dbSNP rs2154185221, ClinGen allele CA349487989.

ClinVar aggregate classification (germline): Likely pathogenic. Review status: criteria provided, multiple submitters, no conflicts (2 of 4 stars). 2 submissions from 2 submitters: Likely pathogenic (2). Last evaluated 2023-10-13.

Conditions:
Dilated cardiomyopathy 1G (CMD1G). Identifiers: Orphanet 154, MedGen C1858763, MONDO:0011400, OMIM 604145.
Autosomal recessive limb-girdle muscular dystrophy type 2J (LGMDR10). Also called: Limb-girdle muscular dystrophy, type 2J; MUSCULAR DYSTROPHY, LIMB-GIRDLE, AUTOSOMAL RECESSIVE 10. Identifiers: Orphanet 140922, MedGen C1837342, MONDO:0012127, OMIM 608807.

gnomAD v4.1: 1 of 1,613,276 alleles (0.000062%); highest among the groups gnomAD compares: Non-Finnish European, 0.000085%; no homozygotes.

Submissions (2):

GeneDx
Classification: Likely pathogenic. Last evaluated: 2023-10-13. Review status: criteria provided, single submitter. Criteria: GeneDx Variant Classification Process June 2021. Collection method: clinical testing. Allele origin: germline. Affected: yes.
Comment: Nonsense variant predicted to result in protein truncation or nonsense mediated decay in a gene for which loss of function is a known mechanism of disease; Not observed at significant frequency in large population cohorts (gnomAD); Located in the A-band region of TTN in which the majority of loss of function variants have been associated with autosomal dominant titinopathies (PMID: 22335739); This variant is associated with the following publications: (PMID: 22335739, 24558114)

Labcorp Genetics (formerly Invitae), Labcorp
Classification: Likely pathogenic for Dilated cardiomyopathy 1G; Autosomal recessive limb-girdle muscular dystrophy type 2J. Last evaluated: 2023-09-27. Review status: criteria provided, single submitter. Criteria: Invitae Variant Classification Sherloc (09022015). Collection method: clinical testing. Allele origin: germline.
Comment: This sequence change creates a premature translational stop signal (p.Trp19998*) in the TTN gene. While this is not anticipated to result in nonsense mediated decay, it is expected to create a truncated TTN protein. In summary, the currently available evidence indicates that the variant is pathogenic, but additional data are needed to prove that conclusively. Therefore, this variant has been classified as Likely Pathogenic. This variant is located in the A band of TTN (PMID: 25589632). Truncating variants in this region are significantly overrepresented in patients affected with dilated cardiomyopathy (PMID: 25589632). Truncating variants in this region have also been reported in individuals affected with autosomal recessive centronuclear myopathy (PMID: 23975875). ClinVar contains an entry for this variant (Variation ID: 1066815). This variant is also known as p.Trp18357*. This premature translational stop signal has been observed in individual(s) with peripartum cardiomyopathy (PMID: 24558114, 33874732). This variant is not present in population databases (gnomAD no frequency).

Literature cited by the submitters: PubMed 25589632 (cited by Labcorp Genetics (formerly Invitae), Labcorp); PubMed 23975875 (cited by Labcorp Genetics (formerly Invitae), Labcorp); PubMed 24558114 (cited by Labcorp Genetics (formerly Invitae), Labcorp); PubMed 33874732 (cited by Labcorp Genetics (formerly Invitae), Labcorp).